The following is an entry in ClinVar:

ClinVar aggregate classification (germline): Conflicting classifications of pathogenicity. Review status: criteria provided, conflicting classifications (1 of 4 stars). 3 submissions from 3 submitters: Uncertain significance (2); Likely benign (1). Last evaluated 2025-10-07.

Conditions:
Arrhythmogenic right ventricular cardiomyopathy (ARVD). Also called: Cardiomyopathy, ARVC; Arrhythmogenic right ventricular dysplasia; Arrhythmogenic cardiomyopathy; Arrhythmogenic Right Ventricular Cardiomyopathy (ARVC). Identifiers: Orphanet 247, MedGen C0349788, MeSH D019571, MONDO:0016587. Disease mechanism: loss of function. Inheritance: Various modes of inheritance.
Cardiomyopathy (CMYO). Also called: Cardiomyopathies. Identifiers: Orphanet 167848, MedGen C0878544, MONDO:0004994, HP:0001638. Inheritance: Various modes of inheritance.
Arrhythmogenic right ventricular dysplasia 9 (ARVD9). Also called: Arrhythmogenic Right Ventricular Dysplasia/Cardiomyopathy 9; ARRHYTHMOGENIC RIGHT VENTRICULAR DYSPLASIA, FAMILIAL, 9. Identifiers: MedGen C1836906, MONDO:0012180, OMIM 609040.

Allele frequency attached by ClinVar (database versions not stated): ExAC 0.00001; gnomAD exomes 0.00001.
gnomAD v4.1: 2 of 1,614,002 alleles (0.00012%); highest among the groups gnomAD compares: South Asian, 0.0022%; no homozygotes.

Submissions (3):

Color Diagnostics, LLC DBA Color Health
Classification: Likely benign for Cardiomyopathy. Last evaluated: 2025-10-07. Review status: criteria provided, single submitter. Criteria: ACMG Guidelines, 2015. Collection method: clinical testing. Allele origin: germline.

All of Us Research Program, National Institutes of Health
Classification: Uncertain significance for Arrhythmogenic right ventricular cardiomyopathy. Last evaluated: 2024-04-16. Review status: criteria provided, single submitter. Criteria: ACMG Guidelines, 2015. Collection method: clinical testing. Allele origin: germline. Inheritance: Autosomal dominant inheritance. Observed: 2 variant alleles, 2 heterozygotes.
Comment: This missense variant replaces arginine with lysine at codon 369 of the PKP2 protein. Computational prediction suggests that this variant may not impact protein structure and function (internally defined REVEL score threshold <= 0.5, PMID: 27666373). To our knowledge, functional studies have not been reported for this variant. This variant has not been reported in individuals affected with PKP2-related disorders in the literature. This variant has been identified in 2/251326 chromosomes in the general population by the Genome Aggregation Database (gnomAD). The available evidence is insufficient to determine the role of this variant in disease conclusively. Therefore, this variant is classified as a Variant of Uncertain Significance.

This study involves interpretation of variants in research participants for the purpose of population health screening. Participant phenotype was not available at the time of variant classification. Additional details can be found in publication PMID: 35346344, PMCID: PMC8962531

Labcorp Genetics (formerly Invitae), Labcorp
Classification: Uncertain significance for Arrhythmogenic right ventricular dysplasia 9. Last evaluated: 2021-11-29. Review status: criteria provided, single submitter. Criteria: Invitae Variant Classification Sherloc (09022015). Collection method: clinical testing. Allele origin: germline.
Comment: This sequence change replaces arginine, which is basic and polar, with lysine, which is basic and polar, at codon 369 of the PKP2 protein (p.Arg369Lys). This variant is present in population databases (rs771293688, gnomAD 0.006%). This variant has not been reported in the literature in individuals affected with PKP2-related conditions. Algorithms developed to predict the effect of missense changes on protein structure and function output the following: SIFT: "Tolerated"; PolyPhen-2: "Benign"; Align-GVGD: "Class C0". The lysine amino acid residue is found in multiple mammalian species, which suggests that this missense change does not adversely affect protein function. Algorithms developed to predict the effect of sequence changes on RNA splicing suggest that this variant may create or strengthen a splice site. In summary, the available evidence is currently insufficient to determine the role of this variant in disease. Therefore, it has been classified as a Variant of Uncertain Significance.

NM_001005242.3(PKP2):c.1106G>A (p.Arg369Lys)

Gene: PKP2 (plakophilin 2; minus strand). Cytogenetic location: 12p11.21.
Variant type: single nucleotide variant.
Coding change: c.1106G>A on transcript NM_001005242.3 (MANE Select); coding-DNA position 1106, G replaced by A.
Protein change: p.Arg369Lys; replaces arginine 369 with lysine.
Molecular consequence: missense variant.
Genome position (GRCh38, 1-based): chr12:32,868,991, C>T on the plus strand (G>A on the coding strand, the complement: PKP2 is on the minus strand). VCF-style: chr12-32868991-C-T. GRCh37 (hg19) VCF-style: chr12-33021925-C-T.
Other names: c.1106G>A, p.Arg369Lys (NM_004572.4); short protein forms R369K.
Identifiers: ClinVar variation 1494445 (VCV001494445.6), dbSNP rs771293688, ClinGen allele CA027068.
Genomic context (GRCh38, chr12:32,868,991, plus strand): 5'-TTCCGAGCTTCAGATTTCTGGAAGCACTCGTGCTGTATGAAAGTAGCTGCAGCAGAAATC[C>T]TGGATGGCAGCATGTGGTCTGCCTCGAGCATACTCACTGCTCGCTCCAGAGTCATCTCCA-3'
Protein context (NP_001005242.2, residues 359-379): MLEADHMLPS[Arg369Lys]ISAAATFIQH